The following is an entry in ClinVar:

NM_130384.3(ATRIP):c.2329T>C (p.Cys777Arg)

Genes: ATRIP (ATR interacting protein; plus strand), ATRIP-TREX1 (ATRIP-TREX1 readthrough; plus strand), LOC129936704 (ATAC-STARR-seq lymphoblastoid active region 19829; plus strand). Cytogenetic location: 3p21.31.
Variant type: single nucleotide variant.
Coding change: c.2329T>C on transcript NM_130384.3 (MANE Select); coding-DNA position 2329, T replaced by C.
Protein change: p.Cys777Arg; replaces cysteine 777 with arginine.
Molecular consequence: missense variant. On other transcripts: non-coding transcript variant (1).
Genome position (GRCh38, 1-based): chr3:48,465,507, T>C. VCF-style: chr3-48465507-T-C. GRCh37 (hg19) VCF-style: chr3-48506906-T-C.
Other names: c.1948T>C, p.Cys650Arg (NM_001271022.2); c.2050T>C, p.Cys684Arg (NM_001271023.2); c.2248T>C, p.Cys750Arg (NM_032166.4); short protein forms C650R, C750R, C684R, C777R.
Identifiers: ClinVar variation 2106798 (VCV002106798.4), dbSNP rs377554132, ClinGen allele CA73931251.

ClinVar aggregate classification (germline): Uncertain significance (1 of 4 stars; one submission).

Allele frequency attached by ClinVar (database versions not stated): gnomAD exomes below 0.00001; TOPMed below 0.00001; gnomAD 0.00001; ESP Exome Variant Server 0.00008.

Submission:

Labcorp Genetics (formerly Invitae), Labcorp
Classification: Uncertain significance. Last evaluated: 2022-06-30. Review status: criteria provided, single submitter. Criteria: Invitae Variant Classification Sherloc (09022015). Collection method: clinical testing. Allele origin: germline.
Comment: This sequence change replaces cysteine, which is neutral and slightly polar, with arginine, which is basic and polar, at codon 777 of the ATRIP protein (p.Cys777Arg). This variant is not present in population databases (gnomAD no frequency). In summary, the available evidence is currently insufficient to determine the role of this variant in disease. Therefore, it has been classified as a Variant of Uncertain Significance. Algorithms developed to predict the effect of missense changes on protein structure and function are either unavailable or do not agree on the potential impact of this missense change (SIFT: "Deleterious"; PolyPhen-2: "Probably Damaging"; Align-GVGD: "Class C0"). This variant has not been reported in the literature in individuals affected with ATRIP-related conditions.